The following is an entry in ClinVar:

NM_000038.6(APC):c.6899C>T (p.Ser2300Phe)

Gene: APC (APC regulator of Wnt signaling pathway; plus strand). Cytogenetic location: 5q22.2.
Variant type: single nucleotide variant.
Coding change: c.6899C>T on transcript NM_000038.6 (MANE Select); coding-DNA position 6899, C replaced by T.
Protein change: p.Ser2300Phe; replaces serine 2300 with phenylalanine.
Molecular consequence: missense variant.
Genome position (GRCh38, 1-based): chr5:112,842,493, C>T. VCF-style: chr5-112842493-C-T. GRCh37 (hg19) VCF-style: chr5-112178190-C-T.
Other names: c.6650C>T, p.Ser2217Phe (NM_001407456.1, NM_001407457.1, NM_001407454.1 and 1 more transcripts); c.6596C>T, p.Ser2199Phe (NM_001407458.1, NM_001407459.1, NM_001407460.1 and 1 more transcripts); c.6512C>T, p.Ser2171Phe (NM_001407467.1, NM_001407469.1); c.6050C>T, p.Ser2017Phe (NM_001407470.1, NM_001354906.2); c.5747C>T, p.Ser1916Phe (NM_001407471.1, NM_001407472.1); c.6899C>T (NM_000038.5); c.6899C>T, p.Ser2300Phe (NM_001127510.3, NM_001354895.2, NM_001407450.1); c.6845C>T, p.Ser2282Phe (NM_001127511.3); and 12 more; short protein forms S2017F, S2241F, S2272F, S2275F, S2290F, S2318F, S2140F, S2174F.
Identifiers: ClinVar variation 2121656 (VCV002121656.5), dbSNP rs2149975815, ClinGen allele CA16036386.

ClinVar aggregate classification (germline): Uncertain significance. Review status: criteria provided, multiple submitters, no conflicts (2 of 4 stars). 2 submissions from 2 submitters: Uncertain significance (2). Last evaluated 2026-05-13.

Conditions:
Hereditary cancer-predisposing syndrome. Also called: Tumor predisposition; Hereditary Cancer Syndrome; Hereditary neoplastic syndrome; Neoplastic Syndromes, Hereditary. Identifiers: Orphanet 140162, MedGen C0027672, MeSH D009386, MONDO:0015356.
Familial adenomatous polyposis 1 (FAP1). Also called: FAMILIAL ADENOMATOUS POLYPOSIS 1, ATTENUATED; POLYPOSIS, ADENOMATOUS INTESTINAL. Identifiers: MedGen C2713442, MONDO:0021056, OMIM 175100. Disease mechanism: loss of function.

Allele frequency attached by ClinVar (database versions not stated): gnomAD exomes below 0.00001.
gnomAD v4.1: 1 of 1,614,010 alleles (0.000062%); highest among the groups gnomAD compares: Non-Finnish European, 0.000085%; no homozygotes.

Submissions (2):

Ambry Genetics
Classification: Uncertain significance for Hereditary cancer-predisposing syndrome. Last evaluated: 2026-05-13. Review status: criteria provided, single submitter. Criteria: Ambry Variant Classification Scheme 2023. Collection method: clinical testing. Allele origin: germline.
Comment: The p.S2300F variant (also known as c.6899C>T), located in coding exon 15 of the APC gene, results from a C to T substitution at nucleotide position 6899. The serine at codon 2300 is replaced by phenylalanine, an amino acid with highly dissimilar properties. This amino acid position is highly conserved in available vertebrate species. In addition, in silico predictors for this gene do not accurately predict pathogenicity. Missense variants in APC are not a common cause of disease (Spier I et al. Genet Med. 2024 Feb;26(2):100992). Based on the available evidence, the clinical significance of this variant remains unclear.

Labcorp Genetics (formerly Invitae), Labcorp
Classification: Uncertain significance for Familial adenomatous polyposis 1. Last evaluated: 2025-04-11. Review status: criteria provided, single submitter. Criteria: Invitae Variant Classification Sherloc (09022015). Collection method: clinical testing. Allele origin: germline.
Comment: This sequence change replaces serine, which is neutral and polar, with phenylalanine, which is neutral and non-polar, at codon 2300 of the APC protein (p.Ser2300Phe). This variant is not present in population databases (gnomAD no frequency). This variant has not been reported in the literature in individuals affected with APC-related conditions. ClinVar contains an entry for this variant (Variation ID: 2121656). Invitae Evidence Modeling of protein sequence and biophysical properties (such as structural, functional, and spatial information, amino acid conservation, physicochemical variation, residue mobility, and thermodynamic stability) indicates that this missense variant is not expected to disrupt APC protein function with a negative predictive value of 95%. In summary, the available evidence is currently insufficient to determine the role of this variant in disease. Therefore, it has been classified as a Variant of Uncertain Significance.